The following is an entry in ClinVar:

NM_015634.4(KIFBP):c.1101C>T (p.Thr367=)

Gene: KIFBP (kinesin family binding protein; plus strand). Cytogenetic location: 10q22.1.
Variant type: single nucleotide variant.
Coding change: c.1101C>T on transcript NM_015634.4 (MANE Select); coding-DNA position 1101, C replaced by T.
Protein change: p.Thr367=; no amino-acid change (threonine 367 retained).
Molecular consequence: synonymous variant.
Genome position (GRCh38, 1-based): chr10:69,015,651, C>T. VCF-style: chr10-69015651-C-T. GRCh37 (hg19) VCF-style: chr10-70775407-C-T.
Identifiers: ClinVar variation 2640542 (VCV002640542.24), dbSNP rs778939058, ClinGen allele CA5529854.
Genomic context (GRCh38, chr10:69,015,651, plus strand): 5'-AAGGAAAAAAGAACTAGATGAGGAGGAAAGCATTCGGAAAAAAGCTGTGCAGTTTGGAAC[C>T]GGTGAACTGTGTGATGCCATCTCTGCAGTAGAAGAGAAAGTGAGCTACTTGAGACCTTTA-3'
Protein context (NP_056449.1, residues 357-377): SIRKKAVQFG[Thr367=]GELCDAISAV

ClinVar aggregate classification (germline): Likely benign (1 of 4 stars; one submission).

Allele frequency attached by ClinVar (database versions not stated): ExAC 0.00001; gnomAD 0.00002; TOPMed 0.00002.
gnomAD v4.1: 29 of 1,613,974 alleles (0.0018%); highest among the groups gnomAD compares: East Asian, 0.0045%; no homozygotes.

Submission:

CeGaT Center for Human Genetics Tuebingen
Classification: Likely benign. Last evaluated: 2023-05-01. Review status: criteria provided, single submitter. Criteria: CeGaT Center For Human Genetics Tuebingen Variant Classification Criteria Version 2. Collection method: clinical testing. Allele origin: germline. Affected: yes. Observed: 1 variant allele.
Comment: KIFBP: BP4, BP7